The following is an entry in ClinVar:

ClinVar aggregate classification (germline): Uncertain significance (1 of 4 stars; one submission).

Conditions:
Joubert syndrome. Also called: CEREBELLOPARENCHYMAL DISORDER IV; JOUBERT-BOLTSHAUSER SYNDROME; Familial aplasia of the vermis. Identifiers: Orphanet 475, MedGen C5979921, MONDO:0018772.

Submission:

Labcorp Genetics (formerly Invitae), Labcorp
Classification: Uncertain significance for Joubert syndrome. Last evaluated: 2023-08-10. Review status: criteria provided, single submitter. Criteria: Invitae Variant Classification Sherloc (09022015). Collection method: clinical testing. Allele origin: germline.
Comment: This sequence change affects codon 989 of the AHI1 mRNA. It is a 'silent' change, meaning that it does not change the encoded amino acid sequence of the AHI1 protein. In summary, the available evidence is currently insufficient to determine the role of this variant in disease. Therefore, it has been classified as a Variant of Uncertain Significance. Algorithms developed to predict the effect of sequence changes on RNA splicing suggest that this variant may disrupt the consensus splice site. ClinVar contains an entry for this variant (Variation ID: 1995824). This variant has not been reported in the literature in individuals affected with AHI1-related conditions. This variant is not present in population databases (gnomAD no frequency).

NM_001134831.2(AHI1):c.2967G>A (p.Val989=)

Gene: AHI1 (Abelson helper integration site 1; minus strand). Cytogenetic location: 6q23.3.
Variant type: single nucleotide variant.
Coding change: c.2967G>A on transcript NM_001134831.2 (MANE Select); coding-DNA position 2967, G replaced by A.
Protein change: p.Val989=; no amino-acid change (valine 989 retained).
Molecular consequence: synonymous variant.
Genome position (GRCh38, 1-based): chr6:135,404,972, C>T on the plus strand (G>A on the coding strand, the complement: AHI1 is on the minus strand). VCF-style: chr6-135404972-C-T. GRCh37 (hg19) VCF-style: chr6-135726110-C-T.
Other names: c.2967G>A, p.Val989= (NM_001134830.2, NM_001134832.2, NM_001350503.2 and 2 more transcripts).
Identifiers: ClinVar variation 1995824 (VCV001995824.4), dbSNP rs2484181505, ClinGen allele CA452341453.